The following is an entry in ClinVar:

NM_012213.3(MLYCD):c.505C>T (p.Leu169=)

Genes: MLYCD (malonyl-CoA decarboxylase; plus strand), LOC130059555 (ATAC-STARR-seq lymphoblastoid silent region 7770; plus strand). Cytogenetic location: 16q23.3.
Variant type: single nucleotide variant.
Coding change: c.505C>T on transcript NM_012213.3 (MANE Select); coding-DNA position 505, C replaced by T.
Protein change: p.Leu169=; no amino-acid change (leucine 169 retained).
Molecular consequence: synonymous variant.
Genome position (GRCh38, 1-based): chr16:83,899,649, C>T. VCF-style: chr16-83899649-C-T. GRCh37 (hg19) VCF-style: chr16-83933254-C-T.
Identifiers: ClinVar variation 320725 (VCV000320725.13), dbSNP rs771885443, ClinGen allele CA8197252.

ClinVar aggregate classification (germline): Conflicting classifications of pathogenicity. Review status: criteria provided, conflicting classifications (1 of 4 stars). 3 submissions from 3 submitters: Uncertain significance (1); Likely benign (2). Last evaluated 2026-09-02.

Conditions:
MLYCD-related disorder. Also called: MLYCD-related condition.
Deficiency of malonyl-CoA decarboxylase. Also called: Malonic aciduria; MCD deficiency. Identifiers: Orphanet 943, MedGen C0342793, MONDO:0009556, OMIM 248360.

Allele frequency attached by ClinVar (database versions not stated): gnomAD 0.00003; TOPMed 0.00003; ExAC 0.00005.
gnomAD v4.1: 184 of 1,544,530 alleles (0.012%); highest among the groups gnomAD compares: Non-Finnish European, 0.015%; no homozygotes.

Submissions (3):

PreventionGenetics, part of Exact Sciences
Classification: Likely benign for MLYCD-related condition. Last evaluated: 2026-09-02. Review status: criteria provided, single submitter. Criteria: ACMG Guidelines, 2015. Collection method: clinical testing. Allele origin: germline.
Comment: This variant is classified as likely benign based on ACMG/AMP sequence variant interpretation guidelines (Richards et al. 2015 PMID: 25741868, with internal and published modifications).

Labcorp Genetics (formerly Invitae), Labcorp
Classification: Likely benign for Deficiency of malonyl-CoA decarboxylase. Last evaluated: 2024-11-13. Review status: criteria provided, single submitter. Criteria: Invitae Variant Classification Sherloc (09022015). Collection method: clinical testing. Allele origin: germline.

Illumina Laboratory Services, Illumina
Classification: Uncertain significance for Deficiency of malonyl-CoA decarboxylase. Last evaluated: 2018-01-13. Review status: criteria provided, single submitter. Criteria: ICSL Variant Classification Criteria 13 December 2019. Collection method: clinical testing. Allele origin: germline.